The following is an entry in ClinVar:

NM_025219.3(DNAJC5):c.25C>T (p.Leu9=)

Gene: DNAJC5 (DnaJ heat shock protein family (Hsp40) member C5; plus strand). Cytogenetic location: 20q13.33.
Variant type: single nucleotide variant.
Coding change: c.25C>T on transcript NM_025219.3 (MANE Select); coding-DNA position 25, C replaced by T.
Protein change: p.Leu9=; no amino-acid change (leucine 9 retained).
Molecular consequence: synonymous variant.
Genome position (GRCh38, 1-based): chr20:63,928,370, C>T. VCF-style: chr20-63928370-C-T. GRCh37 (hg19) VCF-style: chr20-62559723-C-T.
Other names: c.25C>T (NM_025219.2).
Identifiers: ClinVar variation 1115454 (VCV001115454.10), dbSNP rs1184661048, ClinGen allele CA511375980.

ClinVar aggregate classification (germline): Likely benign. Review status: criteria provided, multiple submitters, no conflicts (2 of 4 stars). 2 submissions from 2 submitters: Likely benign (2). Last evaluated 2020-05-22.

Conditions:
Neuronal ceroid lipofuscinosis. Also called: Neuronal Ceroid Lipofuscinoses. Identifiers: Orphanet 216, Orphanet 79263, MedGen C0027877, MONDO:0016295. Disease mechanism: loss of function.

Allele frequency attached by ClinVar (database versions not stated): gnomAD exomes below 0.00001; gnomAD 0.00001; TOPMed 0.00001.
gnomAD v4.1: 4 of 1,613,964 alleles (0.00025%); highest among the groups gnomAD compares: Non-Finnish European, 0.00034%; no homozygotes.

Submissions (2):

Labcorp Genetics (formerly Invitae), Labcorp
Classification: Likely benign for Neuronal ceroid lipofuscinosis. Last evaluated: 2020-05-22. Review status: criteria provided, single submitter. Criteria: Invitae Variant Classification Sherloc (09022015). Collection method: clinical testing. Allele origin: germline.

GeneDx
Classification: Likely benign. Last evaluated: 2018-07-13. Review status: criteria provided, single submitter. Criteria: GeneDx Variant Classification Process June 2021. Collection method: clinical testing. Allele origin: germline. Affected: yes.
Comment: See Variant Classification Assertion Criteria.